The following is an entry in ClinVar:

ClinVar aggregate classification (germline): Pathogenic. Review status: criteria provided, multiple submitters, no conflicts (2 of 4 stars). 3 submissions from 3 submitters: Pathogenic (3). Last evaluated 2024-05-22.

Conditions:
Familial cancer of breast. Also called: BREAST CANCER, FAMILIAL; Hereditary breast cancer; hereditary breast carcinoma. Identifiers: Orphanet 227535, MedGen C0346153, MONDO:0016419, OMIM 114480. Disease mechanism: loss of function.

Submissions (3):

Labcorp Genetics (formerly Invitae), Labcorp
Classification: Pathogenic for Familial cancer of breast. Last evaluated: 2024-05-22. Review status: criteria provided, single submitter. Criteria: Invitae Variant Classification Sherloc (09022015). Collection method: clinical testing. Allele origin: germline.
Comment: This sequence change creates a premature translational stop signal (p.Arg718Serfs*14) in the PALB2 gene. It is expected to result in an absent or disrupted protein product. Loss-of-function variants in PALB2 are known to be pathogenic (PMID: 17200668, 17200671, 17200672, 24136930, 25099575). This variant is not present in population databases (gnomAD no frequency). This premature translational stop signal has been observed in individual(s) with breast cancer (PMID: 26681312). ClinVar contains an entry for this variant (Variation ID: 182740). For these reasons, this variant has been classified as Pathogenic.

Myriad Genetics, Inc.
Classification: Pathogenic for Familial cancer of breast. Last evaluated: 2023-09-12. Review status: criteria provided, single submitter. Criteria: Myriad Autosomal Dominant, Autosomal Recessive and X-Linked Classification Criteria (2023). Collection method: clinical testing. Allele origin: unknown.
Comment: This variant is considered pathogenic. This variant creates a frameshift predicted to result in premature protein truncation.

GeneDx
Classification: Pathogenic. Last evaluated: 2023-09-05. Review status: criteria provided, single submitter. Criteria: GeneDx Variant Classification Process June 2021. Collection method: clinical testing. Allele origin: germline. Affected: yes.
Comment: Frameshift variant predicted to result in protein truncation or nonsense mediated decay in a gene for which loss of function is a known mechanism of disease; Not observed at significant frequency in large population cohorts (gnomAD); Truncating variants in this gene are considered pathogenic by a well-established clinical consortium and/or database; Observed in individual(s) with breast cancer (Susswein et al., 2016); This variant is associated with the following publications: (PMID: 26681312)

Literature cited by the submitters: PubMed 17200668 (cited by Labcorp Genetics (formerly Invitae), Labcorp); PubMed 17200671 (cited by Labcorp Genetics (formerly Invitae), Labcorp); PubMed 17200672 (cited by Labcorp Genetics (formerly Invitae), Labcorp); PubMed 24136930 (cited by Labcorp Genetics (formerly Invitae), Labcorp); PubMed 25099575 (cited by Labcorp Genetics (formerly Invitae), Labcorp); PubMed 26681312 (cited by Labcorp Genetics (formerly Invitae), Labcorp).

NM_024675.4(PALB2):c.2154del (p.Arg718fs)

Gene: PALB2 (partner and localizer of BRCA2; minus strand). Cytogenetic location: 16p12.2.
Variant type: Deletion.
Coding change: c.2154del on transcript NM_024675.4 (MANE Select); coding-DNA position 2154, one base deleted (G; older notation c.2154delG).
Protein change: p.Arg718fs; shifts the reading frame from arginine 718.
Molecular consequence: frameshift variant.
Genome position (GRCh38, 1-based): chr16:23,630,000, C deleted on the plus strand (G on the coding strand, the reverse complement: PALB2 is on the minus strand); the first of 2 consecutive C bases (chr16:23,630,000-23,630,001); deleting either gives the same sequence. VCF-style (leftmost placement, unchanged base first): chr16-23629999-GC-G. GRCh37 (hg19) VCF-style: chr16-23641320-GC-G.
Other names: c.2154delG (NM_024675.3); short protein forms R718fs.
Identifiers: ClinVar variation 182740 (VCV000182740.9), dbSNP rs730881867, ClinGen allele CA299662.
Genomic context (GRCh38, chr16:23,629,999, plus strand): 5'-GGCCAAAGGCTGGAGTAGTACCTAAGATGGGGAAAGCAGGTGAACACATGTCTGTGGTAG[GC>G]CTGTCATTATCATCAGGCGCAACCGTATTTAAAGGAGTATAAAGTAATATGGATGAAGAA-3'